The following is an entry in ClinVar:

NM_144672.4(OTOA):c.71_72del (p.Thr24fs)

Gene: OTOA (otoancorin). Cytogenetic location: 16p12.2.
Variant type: Deletion.
Coding change: c.71_72del on transcript NM_144672.4 (MANE Select); coding-DNA positions 71 to 72, 2 bases deleted.
Protein change: p.Thr24fs; shifts the reading frame from threonine 24.
Molecular consequence: frameshift variant.
Genome position: GRCh38 VCF-style: chr16-21678583-TAC-T. GRCh37 (hg19) VCF-style: chr16-21689904-TAC-T.
Other names: short protein forms T24fs.
Identifiers: ClinVar variation 2800906 (VCV002800906.3), dbSNP rs2506956201, ClinGen allele CA2739266640.
Genomic context (GRCh38, chr16:21,678,583, plus strand): 5'-GGAACCTACGACATACTCCCTTTTCCTATTCCTTTTTCTGAGCCATGGAGTGTCGAGTTA[TAC>T]AGTGCCAAATTCCAGGCAGGGTAAGTCCTGAGGGAAGAATCACCCTTTGTGGTTTCCACA-3'

ClinVar aggregate classification (germline): Pathogenic (1 of 4 stars; one submission).

Submission:

Labcorp Genetics (formerly Invitae), Labcorp
Classification: Pathogenic. Last evaluated: 2024-03-07. Review status: criteria provided, single submitter. Criteria: Invitae Variant Classification Sherloc (09022015). Collection method: clinical testing. Allele origin: germline.
Comment: This sequence change creates a premature translational stop signal (p.Thr24Serfs*43) in the OTOA gene. It is expected to result in an absent or disrupted protein product. Loss-of-function variants in OTOA are known to be pathogenic (PMID: 11972037). This variant is not present in population databases (gnomAD no frequency). This variant has not been reported in the literature in individuals affected with OTOA-related conditions. Algorithms developed to predict the effect of sequence changes on RNA splicing suggest that this variant may disrupt the consensus splice site. For these reasons, this variant has been classified as Pathogenic.

Literature cited by the submitters: PubMed 11972037.